The following is an entry in ClinVar:

NM_001374736.1(DST):c.17683G>C (p.Asp5895His)

Gene: DST (dystonin; minus strand). Cytogenetic location: 6p12.1.
Variant type: single nucleotide variant.
Coding change: c.17683G>C on transcript NM_001374736.1 (MANE Select); coding-DNA position 17683, G replaced by C.
Protein change: p.Asp5895His; replaces aspartic acid 5895 with histidine.
Molecular consequence: missense variant.
Genome position (GRCh38, 1-based): chr6:56,527,732, C>G on the plus strand (G>C on the coding strand, the complement: DST is on the minus strand). VCF-style: chr6-56527732-C-G. GRCh37 (hg19) VCF-style: chr6-56392530-C-G.
Other names: c.11326G>C, p.Asp3776His (NM_001144769.5); c.10912G>C, p.Asp3638His (NM_001144770.2); c.17683G>C, p.Asp5895His (NM_001374722.1); c.16723G>C, p.Asp5575His (NM_001374729.1); c.10465G>C, p.Asp3489His (NM_001374730.1); c.17710G>C, p.Asp5904His (NM_001374734.1); c.10792G>C, p.Asp3598His (NM_001386100.1, NM_183380.4); c.9814G>C, p.Asp3272His (NM_015548.5); short protein forms D3638H, D3776H, D5904H, D3489H, D3598H, D5575H, D3272H, D5895H.
Identifiers: ClinVar variation 1371214 (VCV001371214.6), dbSNP rs775859255, ClinGen allele CA3867381.
Genomic context (GRCh38, chr6:56,527,732, plus strand): 5'-TAATGTCTTTGTACCTTGCTTTAATGGCTTCCAATTTATCTTGAATTATTAAAACTTCAT[C>G]ACCTAAAATTTCAAAGTCACGTTATTTCTTATGAAGGAAAAAAAAGGCAGGGAGAGGGTT-3'
Protein context (NP_001361665.1, residues 5885-5905): GLELLKQTTG[Asp5895His]EVLIIQDKLE

ClinVar aggregate classification (germline): Uncertain significance (1 of 4 stars; one submission).

Conditions:
Epidermolysis bullosa simplex 3, localized or generalized intermediate, with BP230 deficiency (EBS3). Also called: Epidermolysis bullosa simplex due to BP230 deficiency; Epidermolysis bullosa simplex, autosomal recessive 2. Identifiers: Orphanet 412181, MedGen C3809470, MONDO:0014180, OMIM 615425.
Hereditary sensory and autonomic neuropathy type 6. Also called: HSAN VI; Neuropathy, hereditary sensory and autonomic, type VI. Identifiers: Orphanet 314381, MedGen C3539003, MONDO:0013839, OMIM 614653.

Allele frequency attached by ClinVar (database versions not stated): ExAC 0.00001; gnomAD 0.00001.

Submission:

Labcorp Genetics (formerly Invitae), Labcorp
Classification: Uncertain significance for Epidermolysis bullosa simplex 3, localized or generalized intermediate, with BP230 deficiency; Hereditary sensory and autonomic neuropathy type 6. Last evaluated: 2024-10-15. Review status: criteria provided, single submitter. Criteria: Invitae Variant Classification Sherloc (09022015). Collection method: clinical testing. Allele origin: germline.
Comment: The DST gene has multiple clinically relevant transcripts. This variant occurs in alternate transcript NM_015548.4, and corresponds to NM_001723.5:c.*87785G>C in the primary transcript. This sequence change replaces aspartic acid, which is acidic and polar, with histidine, which is basic and polar, at codon 3272 of the DST protein (p.Asp3272His). This variant is present in population databases (rs775859255, gnomAD 0.01%). This variant has not been reported in the literature in individuals affected with DST-related conditions. Experimental studies and prediction algorithms are not available or were not evaluated, and the functional significance of this variant is currently unknown. In summary, the available evidence is currently insufficient to determine the role of this variant in disease. Therefore, it has been classified as a Variant of Uncertain Significance.